The following is an entry in ClinVar:

ClinVar aggregate classification (germline): Benign. Review status: criteria provided, multiple submitters, no conflicts (2 of 4 stars). 7 submissions from 6 submitters: Benign (7). Last evaluated 2025-11-24.

Conditions:
Progressive external ophthalmoplegia with mitochondrial DNA deletions, autosomal recessive 3 (PEOB3). Also called: PROGRESSIVE EXTERNAL OPHTHALMOPLEGIA, AUTOSOMAL RECESSIVE 3. Identifiers: Orphanet 254886, MedGen C4310734, MONDO:0014898, OMIM 617069.
Mitochondrial disease. Also called: Mitochondrial disorders; Mitochondrial disorder. Identifiers: Orphanet 68380, MedGen C0751651, MeSH D028361, MONDO:0044970.
Mitochondrial DNA depletion syndrome, myopathic form (MTDPS2). Also called: TK2-Related Mitochondrial DNA Maintenance Defect, Myopathic Form; MITOCHONDRIAL DNA DEPLETION MYOPATHY, TK2-RELATED; MITOCHONDRIAL DNA DEPLETION SYNDROME 2 (MYOPATHIC TYPE). Identifiers: Orphanet 254875, MedGen C3149750, MONDO:0012301, OMIM 609560.

Allele frequency attached by ClinVar (database versions not stated): gnomAD exomes 0.14078 and 0.20089; ESP Exome Variant Server 0.23566; gnomAD 0.25401 and 0.25659; ExAC 0.26811; TOPMed 0.27987; 1000 Genomes Project 0.32588; 1000 Genomes Project 30x 0.32823.
gnomAD v4.1: 244,884 of 1,606,634 alleles (15%); highest among the groups gnomAD compares: African/African-American, 54%; 27,655 homozygotes.

Submissions (7):

Genomenon, Inc
Classification: Benign for Mitochondrial disease. Last evaluated: 2025-11-24. Review status: criteria provided, single submitter. Criteria: Genomenon Sequence Variant Interpretation Standards - Updated. Collection method: curation. Allele origin: germline. Affected: no.
Comment: TK2 c.-38A>G is a variant located in the 5′ untranslated region (5′ UTR). This variant is present at a high allele frequency in gnomAD. In conclusion, we classify TK2 c.-38A>G as a benign variant.

Blueprint Genetics
Classification: Benign. Last evaluated: 2023-03-17. Review status: criteria provided, single submitter. Criteria: ACMG Guidelines, 2015. Collection method: clinical testing. Allele origin: germline.

Genome-Nilou Lab
Classification: Benign for Progressive external ophthalmoplegia with mitochondrial DNA deletions, autosomal recessive 3. Last evaluated: 2021-09-10. Review status: criteria provided, single submitter. Criteria: ACMG Guidelines, 2015. Collection method: clinical testing. Allele origin: germline. Affected: no.

Genome-Nilou Lab
Classification: Benign for Mitochondrial DNA depletion syndrome, myopathic form. Last evaluated: 2021-09-10. Review status: criteria provided, single submitter. Criteria: ACMG Guidelines, 2015. Collection method: clinical testing. Allele origin: germline. Affected: no.

Illumina Laboratory Services, Illumina
Classification: Benign for Mitochondrial DNA depletion syndrome, myopathic form. Last evaluated: 2018-01-13. Review status: criteria provided, single submitter. Criteria: ICSL Variant Classification Criteria 13 December 2019. Collection method: clinical testing. Allele origin: germline.
Comment: This variant was observed in the ICSL laboratory as part of a predisposition screen in an ostensibly healthy population. It had not been previously curated by ICSL or reported in the Human Gene Mutation Database (HGMD: prior to June 1st, 2018), and was therefore a candidate for classification through an automated scoring system. Utilizing variant allele frequency, disease prevalence and penetrance estimates, and inheritance mode, an automated score was calculated to assess if this variant is too frequent to cause the disease. Based on the score and internal cut-off values, a variant classified as benign is not then subjected to further curation. The score for this variant resulted in a classification of benign for this disease.

GeneDx
Classification: Benign. Last evaluated: 2011-07-07. Review status: criteria provided, single submitter. Criteria: GeneDx Variant Classification (06012015). Collection method: clinical testing. Allele origin: germline. Affected: yes.
Comment: This variant is considered likely benign or benign based on one or more of the following criteria: it is a conservative change, it occurs at a poorly conserved position in the protein, it is predicted to be benign by multiple in silico algorithms, and/or has population frequency not consistent with disease.

Breakthrough Genomics
Classification: Benign. Review status: criteria provided, single submitter. Criteria: ACMG Guidelines, 2015. Collection method: not provided. Allele origin: germline. Inheritance: Autosomal recessive inheritance. Affected: yes.

NM_004614.5(TK2):c.-38A>G

Gene: TK2 (thymidine kinase 2; minus strand). Cytogenetic location: 16q21.
Variant type: single nucleotide variant.
Coding change: c.-38A>G on transcript NM_004614.5 (MANE Select); 38 bases upstream of the start codon, A replaced by G.
Molecular consequence: 5 prime UTR variant. On other transcripts: non-coding transcript variant (1), intron variant (2).
Genome position (GRCh38, 1-based): chr16:66,550,099, T>C on the plus strand (A>G on the coding strand, the complement: TK2 is on the minus strand). VCF-style: chr16-66550099-T-C. GRCh37 (hg19) VCF-style: chr16-66584002-T-C.
Other names: c.-38A>G (NM_001172644.2, NM_001172645.2); c.-280A>G (NM_001271934.2); c.-690A>G (NM_001272050.2); c.31+154A>G (NM_001271935.1, NM_001172643.1).
Identifiers: ClinVar variation 137665 (VCV000137665.12), dbSNP rs3743716, ClinGen allele CA291319.